The following is an entry in ClinVar:

NC_000011.10:g.(?_47347406)_(47352667_?)del

Gene: MYBPC3 (myosin binding protein C3; minus strand). Cytogenetic location: 11p11.2.
Variant type: Deletion.
Identifiers: ClinVar variation 454298 (VCV000454298.2).

ClinVar aggregate classification (germline): Pathogenic (1 of 4 stars; one submission).

Conditions:
Hypertrophic cardiomyopathy. Also called: HYPERTROPHIC MYOCARDIOPATHY. Identifiers: Orphanet 217569, MedGen C0007194, MeSH D002312, MONDO:0005045, HP:0001639.

Submission:

Labcorp Genetics (formerly Invitae), Labcorp
Classification: Pathogenic for Hypertrophic cardiomyopathy. Last evaluated: 2019-07-05. Review status: criteria provided, single submitter. Criteria: Invitae Variant Classification Sherloc (09022015). Collection method: clinical testing. Allele origin: germline.
Comment: This variant is a gross deletion of the genomic region encompassing exons 1-9 of the MYBPC3 gene, which includes the initiator codon. The 5' end of this event is unknown as it extends beyond the assayed region for this gene and therefore may encompass additional genes. The 3' boundary is likely confined to intron 9 of the MYBPC3 gene. This is expected to result in an absent or disrupted protein product. This variant has not been reported in the literature in individuals with MYBPC3-related disease. Loss-of-function variants in MYBPC3 are known to be pathogenic (PMID: 19574547). For these reasons, this variant has been classified as Pathogenic.